The following is an entry in ClinVar:

NM_001357.5(DHX9):c.728C>T (p.Ala243Val)

Gene: DHX9 (DExH-box helicase 9; plus strand). Cytogenetic location: 1q25.3.
Variant type: single nucleotide variant.
Coding change: c.728C>T on transcript NM_001357.5 (MANE Select); coding-DNA position 728, C replaced by T.
Protein change: p.Ala243Val; replaces alanine 243 with valine.
Molecular consequence: missense variant. On other transcripts: non-coding transcript variant (1).
Genome position (GRCh38, 1-based): chr1:182,858,158, C>T. VCF-style: chr1-182858158-C-T. GRCh37 (hg19) VCF-style: chr1-182827293-C-T.
Other names: short protein forms A243V.
Identifiers: ClinVar variation 4240428 (VCV004240428.2).

ClinVar aggregate classification (germline): Uncertain significance (1 of 4 stars; one submission).

Conditions:
Inborn genetic diseases. Identifiers: MedGen C0950123, MeSH D030342.

Submission:

Ambry Genetics
Classification: Uncertain significance for Inborn genetic diseases. Last evaluated: 2025-10-17. Review status: criteria provided, single submitter. Criteria: Ambry Variant Classification Scheme 2023. Collection method: clinical testing. Allele origin: germline.
Comment: The c.728C>T (p.A243V) alteration is located in exon 8 (coding exon 7) of the DHX9 gene. This alteration results from a C to T substitution at nucleotide position 728, causing the alanine (A) at amino acid position 243 to be replaced by a valine (V). This variant was not reported in population-based cohorts in the Genome Aggregation Database (gnomAD). This amino acid position is highly conserved in available vertebrate species. This missense alteration is located in a region that has a low rate of benign missense variation (Lek, 2016; Firth, 2009). This alteration is predicted to be deleterious by in silico analysis. Based on insufficient or conflicting evidence, the clinical significance of this alteration remains unclear.